The following is an entry in ClinVar:

ClinVar aggregate classification (germline): Uncertain significance (1 of 4 stars; one submission).

Conditions:
Cystic fibrosis (CF). Also called: MUCOVISCIDOSIS. Identifiers: Orphanet 586, MedGen C0010674, MONDO:0009061, OMIM 219700. Disease mechanism: loss of function.

Allele frequency attached by ClinVar (database versions not stated): gnomAD exomes below 0.00001.
gnomAD v4.1: 1 of 1,609,540 alleles (0.000062%); highest among the groups gnomAD compares: Admixed American, 0.0017%; no homozygotes.

Submission:

Labcorp Genetics (formerly Invitae), Labcorp
Classification: Uncertain significance for Cystic fibrosis. Last evaluated: 2021-07-18. Review status: criteria provided, single submitter. Criteria: Invitae Variant Classification Sherloc (09022015). Collection method: clinical testing. Allele origin: germline.
Comment: This variant has not been reported in the literature in individuals affected with CFTR-related conditions. This variant is not present in population databases (ExAC no frequency). This sequence change replaces threonine with proline at codon 94 of the CFTR protein (p.Thr94Pro). The threonine residue is moderately conserved and there is a small physicochemical difference between threonine and proline. In summary, the available evidence is currently insufficient to determine the role of this variant in disease. Therefore, it has been classified as a Variant of Uncertain Significance. Algorithms developed to predict the effect of missense changes on protein structure and function are either unavailable or do not agree on the potential impact of this missense change (SIFT: "Tolerated"; PolyPhen-2: "Possibly Damaging"; Align-GVGD: "Class C0").

NM_000492.4(CFTR):c.280A>C (p.Thr94Pro)

Gene: CFTR (CF transmembrane conductance regulator; plus strand). Cytogenetic location: 7q31.2.
Variant type: single nucleotide variant.
Coding change: c.280A>C on transcript NM_000492.4 (MANE Select); coding-DNA position 280, A replaced by C.
Protein change: p.Thr94Pro; replaces threonine 94 with proline.
Molecular consequence: missense variant.
Genome position (GRCh38, 1-based): chr7:117,530,905, A>C. VCF-style: chr7-117530905-A-C. GRCh37 (hg19) VCF-style: chr7-117170959-A-C.
Other names: short protein forms T94P.
Identifiers: ClinVar variation 1435276 (VCV001435276.8), dbSNP rs1434378124, ClinGen allele CA368974201.